The following is an entry in ClinVar:

ClinVar aggregate classification (germline): Uncertain significance. Review status: criteria provided, multiple submitters, no conflicts (2 of 4 stars). 2 submissions from 2 submitters: Uncertain significance (2). Last evaluated 2025-04-22.

Conditions:
Inborn genetic diseases. Identifiers: MedGen C0950123, MeSH D030342.

Submissions (2):

Labcorp Genetics (formerly Invitae), Labcorp
Classification: Uncertain significance. Last evaluated: 2025-04-22. Review status: criteria provided, single submitter. Criteria: Invitae Variant Classification Sherloc (09022015). Collection method: clinical testing. Allele origin: germline.
Comment: This sequence change replaces leucine, which is neutral and non-polar, with phenylalanine, which is neutral and non-polar, at codon 172 of the ORC4 protein (p.Leu172Phe). This variant is not present in population databases (gnomAD no frequency). This variant has not been reported in the literature in individuals affected with ORC4-related conditions. ClinVar contains an entry for this variant (Variation ID: 2334218). Invitae Evidence Modeling of protein sequence and biophysical properties (such as structural, functional, and spatial information, amino acid conservation, physicochemical variation, residue mobility, and thermodynamic stability) indicates that this missense variant is expected to disrupt ORC4 protein function with a positive predictive value of 80%. In summary, the available evidence is currently insufficient to determine the role of this variant in disease. Therefore, it has been classified as a Variant of Uncertain Significance.

Ambry Genetics
Classification: Uncertain significance for Inborn genetic diseases. Last evaluated: 2022-12-13. Review status: criteria provided, single submitter. Criteria: Ambry Variant Classification Scheme 2023. Collection method: clinical testing. Allele origin: germline.

NM_181741.4(ORC4):c.514C>T (p.Leu172Phe)

Gene: ORC4 (origin recognition complex subunit 4; minus strand). Cytogenetic location: 2q23.1.
Variant type: single nucleotide variant.
Coding change: c.514C>T on transcript NM_181741.4 (MANE Select); coding-DNA position 514, C replaced by T.
Protein change: p.Leu172Phe; replaces leucine 172 with phenylalanine.
Molecular consequence: missense variant.
Genome position (GRCh38, 1-based): chr2:147,952,447, G>A on the plus strand (C>T on the coding strand, the complement: ORC4 is on the minus strand). VCF-style: chr2-147952447-G-A. GRCh37 (hg19) VCF-style: chr2-148710016-G-A.
Other names: c.514C>T, p.Leu172Phe (NM_001190879.3, NM_001374270.1, NM_002552.5 and 1 more transcripts); c.262C>T, p.Leu88Phe (NM_001190881.3, NM_001374272.1); c.292C>T, p.Leu98Phe (NM_001190882.3); short protein forms L98F, L172F, L88F.
Identifiers: ClinVar variation 2334218 (VCV002334218.3), dbSNP rs2467916572, ClinGen allele CA348713864.